The following is an entry in ClinVar:

NM_001165963.4(SCN1A):c.4915C>T (p.Arg1639Cys)

Genes: SCN1A (sodium voltage-gated channel alpha subunit 1; minus strand), LOC102724058 (uncharacterized LOC102724058; plus strand). Cytogenetic location: 2q24.3.
Variant type: single nucleotide variant.
Coding change: c.4915C>T on transcript NM_001165963.4 (MANE Select); coding-DNA position 4915, C replaced by T.
Protein change: p.Arg1639Cys; replaces arginine 1639 with cysteine.
Molecular consequence: missense variant. On other transcripts: non-coding transcript variant (1).
Genome position (GRCh38, 1-based): chr2:165,992,360, G>A on the plus strand (C>T on the coding strand, the complement: SCN1A is on the minus strand). VCF-style: chr2-165992360-G-A. GRCh37 (hg19) VCF-style: chr2-166848870-G-A.
Other names: c.4879C>T, p.Arg1627Cys (NM_001353954.2, NM_001353955.2); c.4831C>T, p.Arg1611Cys (NM_001353957.2, NM_001353958.2, NM_001165964.3); c.4828C>T, p.Arg1610Cys (NM_001353960.2); c.2473C>T, p.Arg825Cys (NM_001353961.2); c.4882C>T, p.Arg1628Cys (NM_006920.6, NM_001353949.2, NM_001353950.2 and 2 more transcripts); c.4915C>T, p.Arg1639Cys (NM_001202435.3, NM_001353948.2); short protein forms R1611C, R1639C, R1610C, R1628C, R1627C, R825C.
Identifiers: ClinVar variation 2797256 (VCV002797256.3), dbSNP rs1573953030, ClinGen allele CA349070281.

ClinVar aggregate classification (germline): Likely pathogenic (1 of 4 stars; one submission).

Conditions:
Early-infantile DEE. Also called: Early infantile epileptic encephalopathy; Early infantile epileptic encephalopathy with suppression bursts; Ohtahara syndrome. Identifiers: Orphanet 1934, MedGen C0393706, MONDO:0800491.

Allele frequency attached by ClinVar (database versions not stated): gnomAD exomes below 0.00001.
gnomAD v4.1: 1 of 1,613,640 alleles (0.000062%); highest among the groups gnomAD compares: Non-Finnish European, 0.000085%; no homozygotes.

Submission:

Labcorp Genetics (formerly Invitae), Labcorp
Classification: Likely pathogenic for Early-infantile DEE. Last evaluated: 2023-11-10. Review status: criteria provided, single submitter. Criteria: Invitae Variant Classification Sherloc (09022015). Collection method: clinical testing. Allele origin: germline.
Comment: This sequence change replaces arginine, which is basic and polar, with cysteine, which is neutral and slightly polar, at codon 1639 of the SCN1A protein (p.Arg1639Cys). This variant is not present in population databases (gnomAD no frequency). This variant has not been reported in the literature in individuals affected with SCN1A-related conditions. Advanced modeling of protein sequence and biophysical properties (such as structural, functional, and spatial information, amino acid conservation, physicochemical variation, residue mobility, and thermodynamic stability) performed at Invitae indicates that this missense variant is expected to disrupt SCN1A protein function with a positive predictive value of 95%. This variant disrupts the p.Arg1639 amino acid residue in SCN1A. Other variant(s) that disrupt this residue have been determined to be pathogenic (PMID: 18930999, 35087721). This suggests that this residue is clinically significant, and that variants that disrupt this residue are likely to be disease-causing. In summary, the currently available evidence indicates that the variant is pathogenic, but additional data are needed to prove that conclusively. Therefore, this variant has been classified as Likely Pathogenic.

Literature cited by the submitters: PubMed 18930999; PubMed 35087721.